The following is an entry in ClinVar:

NM_007294.4(BRCA1):c.5238C>T (p.His1746=)

Gene: BRCA1 (BRCA1 DNA repair associated; minus strand). Cytogenetic location: 17q21.31.
Variant type: single nucleotide variant.
Coding change: c.5238C>T on transcript NM_007294.4 (MANE Select); coding-DNA position 5238, C replaced by T.
Protein change: p.His1746=; no amino-acid change (histidine 1746 retained).
Molecular consequence: synonymous variant.
Genome position (GRCh38, 1-based): chr17:43,057,091, G>A on the plus strand (C>T on the coding strand, the complement: BRCA1 is on the minus strand). VCF-style: chr17-43057091-G-A. GRCh37 (hg19) VCF-style: chr17-41209108-G-A.
Other names: c.5094C>T, p.His1698= (NM_001407732.1, NM_001407733.1, NM_001407734.1 and 21 more transcripts); c.5091C>T, p.His1697= (NM_001407838.1, NM_001407839.1, NM_001407841.1 and 12 more transcripts); c.5238C>T, p.His1746= (NM_001407854.1, NM_001407593.1, NM_001407594.1 and 7 more transcripts); c.5235C>T, p.His1745= (NM_001407858.1, NM_001407859.1, NM_001407860.1 and 17 more transcripts); c.5232C>T, p.His1744= (NM_001407861.1, NM_001407627.1, NM_001407628.1 and 14 more transcripts); c.5037C>T, p.His1679= (NM_001407862.1); c.5034C>T, p.His1678= (NM_001407863.1); c.5031C>T, p.His1677= (NM_001407874.1, NM_001407875.1); and 72 more.
Identifiers: ClinVar variation 867263 (VCV000867263.8), dbSNP rs786202389, ClinGen allele CA500144684.

ClinVar aggregate classification (germline): Likely benign (1 of 4 stars; one submission).

Conditions:
Hereditary breast ovarian cancer syndrome. Also called: Hereditary breast and/or ovarian cancer syndrome; BRCA1- and BRCA2-Associated Hereditary Breast and Ovarian Cancer; Hereditary breast and ovarian cancer syndrome; Hereditary breast and ovarian cancer; Hereditary breast and ovarian cancer syndrome (HBOC); Breast and ovarian cancer. Identifiers: Orphanet 145, MedGen C0677776, MeSH D061325, MONDO:0003582. Disease mechanism: loss of function.

Submissions (2):

Labcorp Genetics (formerly Invitae), Labcorp
Classification: Likely benign for Hereditary breast ovarian cancer syndrome. Last evaluated: 2022-03-12. Review status: criteria provided, single submitter. Criteria: Invitae Variant Classification Sherloc (09022015). Collection method: clinical testing. Allele origin: germline.

Brotman Baty Institute, University of Washington
No classification provided (evidence only). Condition: Breast-ovarian cancer, familial 1. Review status: no classification provided. Collection method: in vitro. Allele origin: not applicable. Functional consequence: functionally_normal. Not counted in ClinVar's aggregate classification.
ClinVar note: "not provided" was previously submitted as the classification for the variant. However, the classification appeared to be based only on an observation of functional data so it was converted to no classification on 2025-07-30.